The following is an entry in ClinVar:

NM_007294.4(BRCA1):c.3291T>G (p.Ser1097Arg)

Genes: BRCA1 (BRCA1 DNA repair associated; minus strand), LOC126862571 (BRD4-independent group 4 enhancer GRCh37_chr17:41243136-41244335; plus strand). Cytogenetic location: 17q21.31.
Variant type: single nucleotide variant.
Coding change: c.3291T>G on transcript NM_007294.4 (MANE Select); coding-DNA position 3291, T replaced by G.
Protein change: p.Ser1097Arg; replaces serine 1097 with arginine.
Molecular consequence: missense variant. On other transcripts: intron variant (137).
Genome position (GRCh38, 1-based): chr17:43,092,240, A>C on the plus strand (T>G on the coding strand, the complement: BRCA1 is on the minus strand). VCF-style: chr17-43092240-A-C. GRCh37 (hg19) VCF-style: chr17-41244257-A-C.
Other names: c.575-1208T>G (NM_001408493.1, NM_001408490.1, NM_001408491.1); c.455-1208T>G (NM_001408502.1); c.578-1208T>G (NM_001408489.1, NM_001408479.1, NM_001408481.1 and 9 more transcripts); c.662-1208T>G (NM_001408445.1, NM_001408432.1, NM_001408446.1 and 6 more transcripts); c.668-1208T>G (NM_001408431.1, NM_001408424.1, NM_001408421.1); c.785-1208T>G (NM_001408402.1, NM_001408473.1, NM_001408407.1 and 13 more transcripts); c.665-1208T>G (NM_001408439.1, NM_001408425.1, NM_001408443.1 and 12 more transcripts); c.788-1208T>G (NM_001407975.1, NM_001408403.1, NM_001407983.1 and 17 more transcripts); and 41 more; short protein forms S1008R, S1009R, S1029R, S1030R, S1071R, S1094R, S970R, S985R.
Identifiers: ClinVar variation 3825306 (VCV003825306.1).

ClinVar aggregate classification (germline): Uncertain significance (1 of 4 stars; one submission).

Conditions:
Hereditary cancer-predisposing syndrome. Also called: Hereditary neoplastic syndrome; Neoplastic Syndromes, Hereditary; Tumor predisposition; Hereditary Cancer Syndrome. Identifiers: Orphanet 140162, MedGen C0027672, MeSH D009386, MONDO:0015356.

Submission:

Ambry Genetics
Classification: Uncertain significance for Hereditary cancer-predisposing syndrome. Last evaluated: 2025-01-23. Review status: criteria provided, single submitter. Criteria: Ambry Variant Classification Scheme 2023. Collection method: clinical testing. Allele origin: germline.
Comment: The p.S1097R variant (also known as c.3291T>G), located in coding exon 9 of the BRCA1 gene, results from a T to G substitution at nucleotide position 3291. The serine at codon 1097 is replaced by arginine, an amino acid with dissimilar properties. This amino acid position is well conserved in available vertebrate species. In addition, the in silico prediction for this alteration is inconclusive. Based on the available evidence, the clinical significance of this variant remains unclear.